The following is an entry in ClinVar:

ClinVar aggregate classification (germline): Uncertain significance (1 of 4 stars; one submission).

Conditions:
Hereditary cancer-predisposing syndrome. Also called: Hereditary Cancer Syndrome; Neoplastic Syndromes, Hereditary; Tumor predisposition; Hereditary neoplastic syndrome. Identifiers: Orphanet 140162, MedGen C0027672, MeSH D009386, MONDO:0015356.

Submission:

Ambry Genetics
Classification: Uncertain significance for Hereditary cancer-predisposing syndrome. Last evaluated: 2021-03-23. Review status: criteria provided, single submitter. Criteria: Ambry Variant Classification Scheme 2023. Collection method: clinical testing. Allele origin: germline.
Comment: The p.A1611V variant (also known as c.4832C>T), located in coding exon 14 of the BRCA1 gene, results from a C to T substitution at nucleotide position 4832. The alanine at codon 1611 is replaced by valine, an amino acid with similar properties. This amino acid position is not well conserved in available vertebrate species. In addition, the in silico prediction for this alteration is inconclusive. Since supporting evidence is limited at this time, the clinical significance of this alteration remains unclear.

NM_007294.4(BRCA1):c.4832C>T (p.Ala1611Val)

Gene: BRCA1 (BRCA1 DNA repair associated; minus strand). Cytogenetic location: 17q21.31.
Variant type: single nucleotide variant.
Coding change: c.4832C>T on transcript NM_007294.4 (MANE Select); coding-DNA position 4832, C replaced by T.
Protein change: p.Ala1611Val; replaces alanine 1611 with valine.
Molecular consequence: missense variant. On other transcripts: non-coding transcript variant (1).
Genome position (GRCh38, 1-based): chr17:43,071,082, G>A on the plus strand (C>T on the coding strand, the complement: BRCA1 is on the minus strand). VCF-style: chr17-43071082-G-A. GRCh37 (hg19) VCF-style: chr17-41223099-G-A.
Other names: c.4451C>T, p.Ala1484Val (NM_001407959.1); c.4688C>T, p.Ala1563Val (NM_001407745.1, NM_001407746.1, NM_001407750.1 and 21 more transcripts); c.4370C>T, p.Ala1457Val (NM_001407964.1); c.4448C>T, p.Ala1483Val (NM_001407962.1, NM_001407960.1); c.4445C>T, p.Ala1482Val (NM_001407963.1); c.4325C>T, p.Ala1442Val (NM_001407965.1); c.4706C>T, p.Ala1569Val (NM_001407939.1, NM_001407940.1, NM_001407670.1 and 11 more transcripts); c.4703C>T, p.Ala1568Val (NM_001407941.1, NM_001407681.1, NM_001407682.1 and 6 more transcripts); and 70 more; short protein forms A1442V, A1484V, A1539V, A1563V, A1585V, A1608V, A1609V, A1610V.
Identifiers: ClinVar variation 1743443 (VCV001743443.2), dbSNP rs2153834811, ClinGen allele CA10591855.